The following is an entry in ClinVar:

NM_000214.3(JAG1):c.407T>C (p.Val136Ala)

Gene: JAG1 (jagged canonical Notch ligand 1; minus strand). Cytogenetic location: 20p12.2.
Variant type: single nucleotide variant.
Coding change: c.407T>C on transcript NM_000214.3 (MANE Select); coding-DNA position 407, T replaced by C.
Protein change: p.Val136Ala; replaces valine 136 with alanine.
Molecular consequence: missense variant.
Genome position (GRCh38, 1-based): chr20:10,663,995, A>G on the plus strand (T>C on the coding strand, the complement: JAG1 is on the minus strand). VCF-style: chr20-10663995-A-G. GRCh37 (hg19) VCF-style: chr20-10644643-A-G.
Other names: short protein forms V136A.
Identifiers: ClinVar variation 3573302 (VCV003573302.2).

Conditions:
Arteriohepatic dysplasia. Also called: Alagille Syndrome. Identifiers: Orphanet 52, MedGen C0085280, MeSH D016738, MONDO:0007318.

Submission:

Gilbert/Spinner Lab, Children's Hospital of Philadelphia
No classification provided (evidence only). Condition: Alagille syndrome. Review status: no classification provided. Collection method: research. Allele origin: not applicable. Functional consequence: functionally_abnormal.
ClinVar note: "not provided" was previously submitted as the classification for the variant. However, the classification appeared to be based only on an observation of functional data so it was converted to no classification on 2025-07-30.